The following is an entry in ClinVar:

NM_001689.5(ATP5MC3):c.265G>C (p.Gly89Arg)

Gene: ATP5MC3 (ATP synthase membrane subunit c locus 3; minus strand). Cytogenetic location: 2q31.1.
Variant type: single nucleotide variant.
Coding change: c.265G>C on transcript NM_001689.5 (MANE Select); coding-DNA position 265, G replaced by C.
Protein change: p.Gly89Arg; replaces glycine 89 with arginine.
Molecular consequence: missense variant.
Genome position (GRCh38, 1-based): chr2:175,179,106, C>G on the plus strand (G>C on the coding strand, the complement: ATP5MC3 is on the minus strand). VCF-style: chr2-175179106-C-G. GRCh37 (hg19) VCF-style: chr2-176043834-C-G.
Other names: c.265G>C, p.Gly89Arg (NM_001002258.5, NM_001190329.2); short protein forms G89R.
Identifiers: ClinVar variation 2507200 (VCV002507200.1), dbSNP rs747468360, ClinGen allele CA1975665.

ClinVar aggregate classification (germline): Uncertain significance (1 of 4 stars; one submission).

Allele frequency attached by ClinVar (database versions not stated): gnomAD exomes below 0.00001.
gnomAD v4.1: 1 of 1,614,148 alleles (0.000062%); highest among the groups gnomAD compares: Non-Finnish European, 0.000085%; no homozygotes.

Submission:

GeneDx
Classification: Uncertain significance. Last evaluated: 2022-12-30. Review status: criteria provided, single submitter. Criteria: GeneDx Variant Classification Process June 2021. Collection method: clinical testing. Allele origin: germline. Affected: yes.
Comment: In silico analysis supports that this missense variant has a deleterious effect on protein structure/function; Has not been previously published as pathogenic or benign to our knowledge